The following is an entry in ClinVar:

NM_006017.3(PROM1):c.2593C>A (p.His865Asn)

Gene: PROM1 (prominin 1; minus strand). Cytogenetic location: 4p15.32.
Variant type: single nucleotide variant.
Coding change: c.2593C>A on transcript NM_006017.3 (MANE Select); coding-DNA position 2593, C replaced by A.
Protein change: p.His865Asn; replaces histidine 865 with asparagine.
Molecular consequence: missense variant.
Genome position (GRCh38, 1-based): chr4:15,971,072, G>T on the plus strand (C>A on the coding strand, the complement: PROM1 is on the minus strand). VCF-style: chr4-15971072-G-T. GRCh37 (hg19) VCF-style: chr4-15972695-G-T.
Other names: c.2566C>A, p.His856Asn (NM_001145847.2, NM_001145848.2, NM_001371406.1); c.2524C>A, p.His842Asn (NM_001145849.2); c.2500C>A, p.His834Asn (NM_001145850.2); c.2497C>A, p.His833Asn (NM_001145851.2); c.2473C>A, p.His825Asn (NM_001145852.2, NM_001371407.1, NM_001371408.1); short protein forms H856N, H825N, H842N, H865N, H833N, H834N.
Identifiers: ClinVar variation 1398760 (VCV001398760.8), dbSNP rs748272325, ClinGen allele CA2866291.
Genomic context (GRCh38, chr4:15,971,072, plus strand): 5'-AGATTCTCTTCAATGAAAGCATCAAACTTACCTCAAGCAGTTTCAACATCAGCTATCAAT[G>T]TTGTGATGGGCTAAAAAACAAAAAAATAAAGAAATATAATACCCCCAACAAAGCTGTGGG-3'
Protein context (NP_006008.1, residues 855-865): HNPVMTSPSQ[His865Asn]

ClinVar aggregate classification (germline): Uncertain significance (1 of 4 stars; one submission).

Allele frequency attached by ClinVar (database versions not stated): TOPMed below 0.00001.
gnomAD v4.1: 2 of 1,578,706 alleles (0.00013%); highest among the groups gnomAD compares: Admixed American, 0.0036%; no homozygotes.

Submission:

Labcorp Genetics (formerly Invitae), Labcorp
Classification: Uncertain significance. Last evaluated: 2021-04-15. Review status: criteria provided, single submitter. Criteria: Invitae Variant Classification Sherloc (09022015). Collection method: clinical testing. Allele origin: germline.
Comment: In summary, the available evidence is currently insufficient to determine the role of this variant in disease. Therefore, it has been classified as a Variant of Uncertain Significance. Algorithms developed to predict the effect of missense changes on protein structure and function are either unavailable or do not agree on the potential impact of this missense change (SIFT: "Not Available"; PolyPhen-2: "Benign"; Align-GVGD: "Class C65"). This variant has not been reported in the literature in individuals with PROM1-related conditions. The frequency data for this variant in the population databases is considered unreliable, as metrics indicate poor data quality at this position in the ExAC database. This sequence change replaces histidine with asparagine at codon 865 of the PROM1 protein (p.His865Asn). The histidine residue is weakly conserved and there is a small physicochemical difference between histidine and asparagine.